The following is an entry in ClinVar:

ClinVar aggregate classification (germline): Uncertain significance (1 of 4 stars; one submission).

Conditions:
Short-rib thoracic dysplasia 14 with polydactyly (SRTD14). Identifiers: Orphanet 397715, MedGen C4225286, MONDO:0014688, OMIM 616546.
Joubert syndrome 23 (JBTS23). Identifiers: Orphanet 475, MedGen C4084822, MONDO:0014664, OMIM 616490.

Allele frequency attached by ClinVar (database versions not stated): gnomAD exomes below 0.00001; ExAC 0.00001; TOPMed 0.00001; gnomAD 0.00002.
gnomAD v4.1: 3 of 1,613,404 alleles (0.00019%); highest among the groups gnomAD compares: African/African-American, 0.004%; no homozygotes.

Submission:

Labcorp Genetics (formerly Invitae), Labcorp
Classification: Uncertain significance for Joubert syndrome 23; Short-rib thoracic dysplasia 14 with polydactyly. Last evaluated: 2022-02-10. Review status: criteria provided, single submitter. Criteria: Invitae Variant Classification Sherloc (09022015). Collection method: clinical testing. Allele origin: germline.
Comment: This sequence change replaces proline, which is neutral and non-polar, with leucine, which is neutral and non-polar, at codon 816 of the KIAA0586 protein (p.Pro816Leu). This variant is present in population databases (rs762324359, gnomAD 0.008%). This variant has not been reported in the literature in individuals affected with KIAA0586-related conditions. Algorithms developed to predict the effect of missense changes on protein structure and function are either unavailable or do not agree on the potential impact of this missense change (SIFT: "Deleterious"; PolyPhen-2: "Probably Damaging"; Align-GVGD: "Class C0"). In summary, the available evidence is currently insufficient to determine the role of this variant in disease. Therefore, it has been classified as a Variant of Uncertain Significance.

NM_001329943.3(KIAA0586):c.2288C>T (p.Pro763Leu)

Gene: KIAA0586 (KIAA0586; plus strand). Cytogenetic location: 14q23.1.
Variant type: single nucleotide variant.
Coding change: c.2288C>T on transcript NM_001329943.3 (MANE Select); coding-DNA position 2288, C replaced by T.
Protein change: p.Pro763Leu; replaces proline 763 with leucine.
Molecular consequence: missense variant.
Genome position (GRCh38, 1-based): chr14:58,467,768, C>T. VCF-style: chr14-58467768-C-T. GRCh37 (hg19) VCF-style: chr14-58934486-C-T.
Other names: c.2447C>T, p.Pro816Leu (NM_001244189.2); c.2243C>T, p.Pro748Leu (NM_001244190.2); c.2033C>T, p.Pro678Leu (NM_001244191.2, NM_001329945.2, NM_001364700.1 and 1 more transcripts); c.2156C>T, p.Pro719Leu (NM_001244192.2); c.1868C>T, p.Pro623Leu (NM_001244193.2); c.2288C>T, p.Pro763Leu (NM_001329944.2, NM_001329946.2, NM_001329947.2); c.2060C>T, p.Pro687Leu (NM_014749.5); short protein forms P687L, P678L, P719L, P748L, P623L, P816L, P763L.
Identifiers: ClinVar variation 1510015 (VCV001510015.8), dbSNP rs762324359, ClinGen allele CA7205837.